The following is an entry in ClinVar:

ClinVar aggregate classification (germline): Likely benign. Review status: criteria provided, multiple submitters, no conflicts (2 of 4 stars). 2 submissions from 2 submitters: Likely benign (2). Last evaluated 2023-08-24.

Submissions (2):

Blueprint Genetics
Classification: Likely benign. Last evaluated: 2023-08-24. Review status: criteria provided, single submitter. Criteria: ACMG Guidelines, 2015. Collection method: clinical testing. Allele origin: germline.

CeGaT Center for Human Genetics Tuebingen
Classification: Likely benign. Last evaluated: 2023-06-01. Review status: criteria provided, single submitter. Criteria: CeGaT Center For Human Genetics Tuebingen Variant Classification Criteria Version 2. Collection method: clinical testing. Allele origin: germline. Affected: yes. Observed: 1 variant allele.
Comment: EEF2: BP4, BP7

NM_001961.4(EEF2):c.864C>A (p.Thr288=)

Gene: EEF2 (eukaryotic translation elongation factor 2; minus strand). Cytogenetic location: 19p13.3.
Variant type: single nucleotide variant.
Coding change: c.864C>A on transcript NM_001961.4 (MANE Select); coding-DNA position 864, C replaced by A.
Protein change: p.Thr288=; no amino-acid change (threonine 288 retained).
Molecular consequence: synonymous variant.
Genome position (GRCh38, 1-based): chr19:3,981,980, G>T on the plus strand (C>A on the coding strand, the complement: EEF2 is on the minus strand). VCF-style: chr19-3981980-G-T. GRCh37 (hg19) VCF-style: chr19-3981978-G-T.
Identifiers: ClinVar variation 2649022 (VCV002649022.25), dbSNP rs773552404, ClinGen allele CA9089151.